The following is an entry in ClinVar:

ClinVar aggregate classification (germline): Uncertain significance (1 of 4 stars; one submission).

gnomAD v4.1: 3 of 1,548,314 alleles (0.00019%); highest among the groups gnomAD compares: African/African-American, 0.0014%; no homozygotes.

Submission:

Labcorp Genetics (formerly Invitae), Labcorp
Classification: Uncertain significance. Last evaluated: 2025-01-15. Review status: criteria provided, single submitter. Criteria: Invitae Variant Classification Sherloc (09022015). Collection method: clinical testing. Allele origin: germline.
Comment: This sequence change replaces threonine, which is neutral and polar, with alanine, which is neutral and non-polar, at codon 241 of the PRDM13 protein (p.Thr241Ala). This variant is not present in population databases (gnomAD no frequency). This variant has not been reported in the literature in individuals affected with PRDM13-related conditions. An algorithm developed to predict the effect of missense changes on protein structure and function (PolyPhen-2) suggests that this variant is likely to be tolerated. In summary, the available evidence is currently insufficient to determine the role of this variant in disease. Therefore, it has been classified as a Variant of Uncertain Significance.

NM_021620.4(PRDM13):c.721A>G (p.Thr241Ala)

Gene: PRDM13 (PR/SET domain 13; plus strand). Cytogenetic location: 6q16.2.
Variant type: single nucleotide variant.
Coding change: c.721A>G on transcript NM_021620.4 (MANE Select); coding-DNA position 721, A replaced by G.
Protein change: p.Thr241Ala; replaces threonine 241 with alanine.
Molecular consequence: missense variant.
Genome position (GRCh38, 1-based): chr6:99,613,356, A>G. VCF-style: chr6-99613356-A-G. GRCh37 (hg19) VCF-style: chr6-100061232-A-G.
Other names: short protein forms T241A.
Identifiers: ClinVar variation 3655786 (VCV003655786.2).